The following is an entry in ClinVar:

NM_000548.5(TSC2):c.691C>A (p.Leu231Met)

Gene: TSC2 (TSC complex subunit 2; plus strand). Cytogenetic location: 16p13.3.
Variant type: single nucleotide variant.
Coding change: c.691C>A on transcript NM_000548.5 (MANE Select); coding-DNA position 691, C replaced by A.
Protein change: p.Leu231Met; replaces leucine 231 with methionine.
Molecular consequence: missense variant. On other transcripts: 5 prime UTR variant (10), non-coding transcript variant (5).
Genome position (GRCh38, 1-based): chr16:2,056,686, C>A. VCF-style: chr16-2056686-C-A. GRCh37 (hg19) VCF-style: chr16-2106687-C-A.
Other names: c.691C>A, p.Leu231Met (NM_001077183.3, NM_001114382.3, NM_001363528.2 and 6 more transcripts); c.580C>A, p.Leu194Met (NM_001318827.2, NM_001406670.1, NM_001406678.1); c.544C>A, p.Leu182Met (NM_001318829.2, NM_001406675.1, NM_001406676.1 and 1 more transcripts); c.91C>A, p.Leu31Met (NM_001318831.2, NM_001406680.1, NM_001406682.1 and 6 more transcripts); c.724C>A, p.Leu242Met (NM_001318832.2); c.781C>A, p.Leu261Met (NM_001406667.1, NM_001406668.1); c.679C>A, p.Leu227Met (NM_001406671.1, NM_001406673.1); c.634C>A, p.Leu212Met (NM_001406677.1); and 4 more; short protein forms L182M, L194M, L212M, L227M, L231M, L242M, L261M, L31M.
Identifiers: ClinVar variation 4802837 (VCV004802837.1).
Genomic context (GRCh38, chr16:2,056,686, plus strand): 5'-CGTCTCCCTCTCCACCAGGTCTCCCTGCAGGTGCTGGACGCCGTGGTCTGCTACAACTGC[C>A]TGCCGGCTGAGAGCCTCCCGCTGTTCATCGTTACCCTCTGTCGCACCATCAACGTCAAGG-3'
Protein context (NP_000539.2, residues 221-241): VLDAVVCYNC[Leu231Met]PAESLPLFIV

ClinVar aggregate classification (germline): Uncertain significance (1 of 4 stars; one submission).

Conditions:
Tuberous sclerosis 2 (TSC2). Identifiers: Orphanet 805, MedGen C1860707, MONDO:0013199, OMIM 613254.

Submission:

Labcorp Genetics (formerly Invitae), Labcorp
Classification: Uncertain significance for Tuberous sclerosis 2. Last evaluated: 2025-04-23. Review status: criteria provided, single submitter. Criteria: Invitae Variant Classification Sherloc (09022015). Collection method: clinical testing. Allele origin: germline.
Comment: This sequence change replaces leucine, which is neutral and non-polar, with methionine, which is neutral and non-polar, at codon 231 of the TSC2 protein (p.Leu231Met). This variant is not present in population databases (gnomAD no frequency). This variant has not been reported in the literature in individuals affected with TSC2-related conditions. Invitae Evidence Modeling of protein sequence and biophysical properties (such as structural, functional, and spatial information, amino acid conservation, physicochemical variation, residue mobility, and thermodynamic stability) indicates that this missense variant is not expected to disrupt TSC2 protein function with a negative predictive value of 95%. In summary, the available evidence is currently insufficient to determine the role of this variant in disease. Therefore, it has been classified as a Variant of Uncertain Significance.